The following is an entry in ClinVar:

ClinVar aggregate classification (germline): Benign. Review status: reviewed by expert panel (3 of 4 stars). 20 submissions from 18 submitters: Benign (1). 19 of the submissions do not count toward it. Last evaluated 2021-03-18.

Conditions:
Multiminicore myopathy. Identifiers: Orphanet 598, MedGen C0270962, MONDO:0018948.
Central core myopathy (CMYO1A). Also called: CONGENITAL MYOPATHY 1A, AUTOSOMAL DOMINANT, WITH SUSCEPTIBILITY TO MALIGNANT HYPERTHERMIA; Central core disease; Myopathy, central fibrillar. Identifiers: Orphanet 597, MedGen C5830701, MONDO:0007294, OMIM 117000.
Congenital myopathy with fiber type disproportion. Also called: Congenital fiber-type disproportion; Congenital fiber-type disproportion myopathy. Identifiers: Orphanet 2020, MedGen C0546264, MONDO:0009711. Inheritance: all.
Myopathy, RYR1-associated.
Malignant hyperthermia, susceptibility to, 1 (MHS1). Also called: Malignant hyperthermia suceptibility 1; Anesthesia related hyperthermia; Malignant hyperpyrexia; Fulminating hyperpyrexia; Pharmacogenic myopathy; RYR1-Related Malignant Hyperthermia Susceptibility. Identifiers: Orphanet 423, MedGen C2930980, MONDO:0007783, OMIM 145600.
Congenital multicore myopathy with external ophthalmoplegia (CMYO1B). Also called: Congenital myopathy 1B, autosomal recessive; Minicore myopathy; MULTICORE MYOPATHY; MULTIMINICORE DISEASE WITH EXTERNAL OPHTHALMOPLEGIA; Minicore myopathy with external ophthalmoplegia. Identifiers: Orphanet 598, Orphanet 98905, MedGen C1850674, MONDO:0009712, OMIM 255320, HP:0003789.
King Denborough syndrome (KDS). Identifiers: MedGen C1840365, MONDO:0020485, OMIM 619542.
RYR1-related disorder. Also called: RYR1-related disorders; RYR1-related condition. Identifiers: MedGen CN239331.
Inborn genetic diseases. Identifiers: MedGen C0950123, MeSH D030342.

Allele frequency attached by ClinVar (database versions not stated): 1000 Genomes Project 30x 0.00078; gnomAD 0.00163; TOPMed 0.00194; gnomAD exomes 0.00345.
gnomAD v4.1: 3,164 of 991,822 alleles (0.32%); highest among the groups gnomAD compares: Non-Finnish European, 0.36%; 6 homozygotes.

Submissions (20):

ClinGen Malignant Hyperthermia Susceptibility Variant Curation Expert Panel, ClinGen
Classification: Benign for Malignant hyperthermia, susceptibility to, 1. Last evaluated: 2021-03-18. Review status: reviewed by expert panel. Criteria: ClinGen MHS ACMG Specifications V1. Collection method: curation. Allele origin: germline. Inheritance: Autosomal dominant inheritance. Study: ClinGen.
Comment: This pathogenicity assessment is relevant only for malignant hyperthermia susceptibility (MHS) inherited in an autosomal dominant pattern. Variants in RYR1 can also cause other myopathies inherited in an autosomal dominant pattern or in an autosomal recessive pattern. Some of these disorders may predispose individuals to malignant hyperthermia. RYR1 variants may also contribute to a malignant hyperthermia reaction in combination with other genetic and non-genetic factors and the clinician needs to consider such factors in making management decisions. This sequence variant predicts a substitution of Alanine with Valine at codon 4295 of the RYR1 protein, p.(Ala4295Val). The maximum allele frequency for this variant among the six major gnomAD populations is NFE: 0.0019, this is considered to be more common than expected for a pathogenic variant causing autosomal dominantly inherited MHS, BS1. This variant has been reported in two unrelated individuals who have a personal or family history of a malignant hyperthermia reaction, both of these individuals had a positive in vitro contracture test (IVCT) or caffeine halothane contracture test (CHCT) result (if the proband was unavailable for testing, a positive diagnostic test result in a mutation-positive relative was counted), (PMID:30236257). However, the high MAF in the NFE population in gnomAD precludes the use of PS4. This variant has been identified in an individual with a negative IVCT/CHCT result, BS2_Moderate, (PMID:25658027). No functional studies were identified for this variant. This variant does not reside in a hotspot for pathogenic variants that contribute to MHS. This variant was observed in cis with a variant assessed as pathogenic, p.(Arg2435His), BP2 (PMID:19513315). A REVEL score <0.5 (0.152) supports a benign status for this variant, BP4. Based on using Bayes to combine criteria this variant is assessed as Benign, (PMID: 29300386). Criteria implemented: BS1, BS2_Moderate, BP2, BP4.

CeGaT Center for Human Genetics Tuebingen
Classification: Likely benign. Last evaluated: 2026-07-01. Review status: criteria provided, single submitter. Criteria: CeGaT Center For Human Genetics Tuebingen Variant Classification Criteria Version 2. Collection method: clinical testing. Allele origin: germline. Affected: yes. Observed: 14 variant alleles. Not counted in ClinVar's aggregate classification.
Comment: RYR1: PP3, BS2

Labcorp Genetics (formerly Invitae), Labcorp
Classification: Likely benign for RYR1-related disorder. Last evaluated: 2026-02-03. Review status: criteria provided, single submitter. Criteria: Invitae Variant Classification Sherloc (09022015). Collection method: clinical testing. Allele origin: germline. Not counted in ClinVar's aggregate classification.

Mayo Clinic Laboratories, Mayo Clinic
Classification: Likely benign. Last evaluated: 2025-08-15. Review status: criteria provided, single submitter. Criteria: ACMG Guidelines, 2015. Collection method: clinical testing. Allele origin: germline. Observed: 6 variant alleles. Not counted in ClinVar's aggregate classification.
Comment: BS2, BP4_moderate

PreventionGenetics, part of Exact Sciences
Classification: Likely benign for RYR1-related condition. Last evaluated: 2025-03-31. Review status: criteria provided, single submitter. Criteria: ACMG Guidelines, 2015. Collection method: clinical testing. Allele origin: germline. Not counted in ClinVar's aggregate classification.
Comment: This variant is classified as likely benign based on ACMG/AMP sequence variant interpretation guidelines (Richards et al. 2015 PMID: 25741868, with internal and published modifications).

Laboratory of Genetics, Children's Clinical University Hospital Latvia
Classification: Benign. Last evaluated: 2025-02-16. Review status: criteria provided, single submitter. Criteria: ACMG Guidelines, 2015. Collection method: clinical testing. Allele origin: germline. Affected: yes. Not counted in ClinVar's aggregate classification.

Blueprint Genetics
Classification: Likely benign. Last evaluated: 2024-11-25. Review status: criteria provided, single submitter. Criteria: ACMG Guidelines, 2015. Collection method: clinical testing. Allele origin: germline. Not counted in ClinVar's aggregate classification.

Athena Diagnostics
Classification: Uncertain significance. Last evaluated: 2024-09-24. Review status: criteria provided, single submitter. Criteria: Athena Diagnostics Criteria. Collection method: clinical testing. Allele origin: unknown. Not counted in ClinVar's aggregate classification.

Ambry Genetics
Classification: Benign for Inborn genetic diseases. Last evaluated: 2024-09-07. Review status: criteria provided, single submitter. Criteria: Ambry Variant Classification Scheme 2023. Collection method: clinical testing. Allele origin: germline. Not counted in ClinVar's aggregate classification.

GeneDx
Classification: Uncertain significance. Last evaluated: 2022-10-27. Review status: criteria provided, single submitter. Criteria: GeneDx Variant Classification Process June 2021. Collection method: clinical testing. Allele origin: germline. Affected: yes. Not counted in ClinVar's aggregate classification.
Comment: Observed in multiple individuals with various RYR1-related clinical features including multminicore disease, malignant hyperthermia susceptibility, central core disease, episodes of rhabdomyolysis, and exertional heat illness; however, each of these individuals harbored additional variants in the RYR1 gene (Jeong et al., 2008; Dlamini et al., 2013; Fiszer et al., 2015); Observed in two symptomatic individuals, but was found to be inherited from asymptomatic parents (Klein et al., 2012); In silico analysis supports that this missense variant does not alter protein structure/function; This variant is associated with the following publications: (PMID: 21157159, 20952238, 25747005, 23628358, 22473935, 25658027, 19513315, 26972305, 27663056, 31559918, 29382405)

ARUP Laboratories, Molecular Genetics and Genomics, ARUP Laboratories
Classification: Uncertain significance. Last evaluated: 2022-04-15. Review status: criteria provided, single submitter. Criteria: ARUP Molecular Germline Variant Investigation Process 2021. Collection method: clinical testing. Allele origin: germline. Not counted in ClinVar's aggregate classification.

Department of Pathology and Laboratory Medicine, Sinai Health System
Classification: Uncertain significance for Central core myopathy; Malignant hyperthermia, susceptibility to, 1; Congenital multicore myopathy with external ophthalmoplegia; King Denborough syndrome. Last evaluated: 2022-01-31. Review status: criteria provided, single submitter. Criteria: ACMG Guidelines, 2015. Collection method: research. Allele origin: germline. Not counted in ClinVar's aggregate classification.

Institute for Clinical Genetics, University Hospital TU Dresden, University Hospital TU Dresden
Classification: Uncertain significance. Last evaluated: 2021-11-03. Review status: criteria provided, single submitter. Criteria: ACMG Guidelines, 2015. Collection method: clinical testing. Allele origin: germline. Not counted in ClinVar's aggregate classification.

Illumina Laboratory Services, Illumina
Classification: Uncertain significance for Malignant hyperthermia, susceptibility to, 1. Last evaluated: 2018-06-12. Review status: criteria provided, single submitter. Criteria: ICSL Variant Classification Criteria 13 December 2019. Collection method: clinical testing. Allele origin: germline. Not counted in ClinVar's aggregate classification.
Comment: This variant was observed as part of a predisposition screen in an ostensibly healthy population. A literature search was performed for the gene, cDNA change, and amino acid change (where applicable). Publications were found based on this search. However, the evidence from the literature, in combination with allele frequency data from public databases where available, was not sufficient to rule this variant in or out of causing disease. Therefore, this variant is classified as a variant of unknown significance.

Illumina Laboratory Services, Illumina
Classification: Uncertain significance for Central core myopathy. Last evaluated: 2018-06-12. Review status: criteria provided, single submitter. Criteria: ICSL Variant Classification Criteria 13 December 2019. Collection method: clinical testing. Allele origin: germline. Not counted in ClinVar's aggregate classification.

Illumina Laboratory Services, Illumina
Classification: Uncertain significance for Congenital multicore myopathy with external ophthalmoplegia. Last evaluated: 2018-06-12. Review status: criteria provided, single submitter. Criteria: ICSL Variant Classification Criteria 13 December 2019. Collection method: clinical testing. Allele origin: germline. Not counted in ClinVar's aggregate classification.

Eurofins Ntd Llc (ga)
Classification: Uncertain significance. Last evaluated: 2015-05-26. Review status: criteria provided, single submitter. Criteria: EGL Classification Definitions 2015. Collection method: clinical testing. Allele origin: germline. Observed: 2 variant alleles, 2 heterozygotes. Not counted in ClinVar's aggregate classification.

Genetic Services Laboratory, University of Chicago
Classification: Uncertain significance. Last evaluated: 2014-05-14. Review status: criteria provided, single submitter. Criteria: ACMG Guidelines, 2015. Collection method: clinical testing. Allele origin: germline. Inheritance: Autosomal unknown. Not counted in ClinVar's aggregate classification.

Breakthrough Genomics
Classification: Benign. Review status: criteria provided, single submitter. Criteria: ACMG Guidelines, 2015. Collection method: not provided. Allele origin: germline. Inheritance: Autosomal recessive inheritance. Affected: yes. Not counted in ClinVar's aggregate classification.

RYR1 database
No classification provided. Review status: no classification provided. Collection method: not provided. Allele origin: unknown. Not counted in ClinVar's aggregate classification.

Literature cited by the submitters: PubMed 23628358 (cited by 4 submitters); PubMed 29382405 (cited by Mayo Clinic Laboratories, Mayo Clinic and Athena Diagnostics); PubMed 31559918 (cited by Athena Diagnostics); PubMed 19513315 (cited by 4 submitters); PubMed 25658027 (cited by Athena Diagnostics and Ambry Genetics); PubMed 20952238 (cited by Athena Diagnostics); PubMed 22473935 (cited by Athena Diagnostics and Ambry Genetics); PubMed 21157159 (cited by 3 submitters).

NM_000540.3(RYR1):c.12884C>T (p.Ala4295Val)

Gene: RYR1 (ryanodine receptor 1; plus strand). Cytogenetic location: 19q13.2.
Variant type: single nucleotide variant.
Coding change: c.12884C>T on transcript NM_000540.3 (MANE Select); coding-DNA position 12884, C replaced by T.
Protein change: p.Ala4295Val; replaces alanine 4295 with valine.
Molecular consequence: missense variant.
Genome position (GRCh38, 1-based): chr19:38,565,218, C>T. VCF-style: chr19-38565218-C-T. GRCh37 (hg19) VCF-style: chr19-39055858-C-T.
Other names: p.A4295V:GCG>GTG; NM_000540.2(RYR1):c.12884C>T; p.Ala4295Val; c.12869C>T, p.Ala4290Val (NM_001042723.2); short protein forms A4295V, A4290V.
Identifiers: ClinVar variation 133043 (VCV000133043.83), dbSNP rs193922855, ClinGen allele CA024018.